The following is an entry in ClinVar:

NM_001018113.3(FANCB):c.1133A>C (p.Asp378Ala)

Gene: FANCB (FA complementation group B; minus strand). Cytogenetic location: Xp22.2.
Variant type: single nucleotide variant.
Coding change: c.1133A>C on transcript NM_001018113.3 (MANE Select); coding-DNA position 1133, A replaced by C.
Protein change: p.Asp378Ala; replaces aspartic acid 378 with alanine.
Molecular consequence: missense variant.
Genome position (GRCh38, 1-based): chrX:14,857,926, T>G on the plus strand (A>C on the coding strand, the complement: FANCB is on the minus strand). VCF-style: chrX-14857926-T-G. GRCh37 (hg19) VCF-style: chrX-14876048-T-G.
Other names: c.1133A>C, p.Asp378Ala (NM_001324162.2, NM_152633.4); short protein forms D378A.
Identifiers: ClinVar variation 566473 (VCV000566473.8), dbSNP rs1569088991, ClinGen allele CA412442902.

ClinVar aggregate classification (germline): Uncertain significance (1 of 4 stars; one submission).

Conditions:
Fanconi anemia (FA). Also called: Fanconi's anemia. Identifiers: Orphanet 84, MedGen C0015625, MeSH D005199, MONDO:0019391.

Submission:

Labcorp Genetics (formerly Invitae), Labcorp
Classification: Uncertain significance for Fanconi anemia. Last evaluated: 2018-05-30. Review status: criteria provided, single submitter. Criteria: Invitae Variant Classification Sherloc (09022015). Collection method: clinical testing. Allele origin: germline.
Comment: In summary, the available evidence is currently insufficient to determine the role of this variant in disease. Therefore, it has been classified as a Variant of Uncertain Significance. Algorithms developed to predict the effect of missense changes on protein structure and function output the following: SIFT: "Tolerated"; PolyPhen-2: "Benign"; Align-GVGD: "Class C0". The alanine amino acid residue is found in multiple mammalian species, suggesting that this missense change does not adversely affect protein function. These predictions have not been confirmed by published functional studies and their clinical significance is uncertain. This variant has not been reported in the literature in individuals with FANCB-related disease. This variant is not present in population databases (ExAC no frequency). This sequence change replaces aspartic acid with alanine at codon 378 of the FANCB protein (p.Asp378Ala). The aspartic acid residue is weakly conserved and there is a moderate physicochemical difference between aspartic acid and alanine.